The following is an entry in ClinVar:

ClinVar aggregate classification (germline): Uncertain significance (1 of 4 stars; one submission).

Conditions:
Intellectual developmental disorder, X-linked 93. Also called: MENTAL RETARDATION, X-LINKED, WITH MACROCEPHALY; Intellectual disability, X-linked 93. Identifiers: MedGen C1970841, MONDO:0010393, OMIM 300659.

gnomAD v4.1: 1 of 1,188,451 alleles (0.000084%); highest among the groups gnomAD compares: African/African-American, 0.0017%; no homozygotes.

Submission:

Illumina Laboratory Services, Illumina
Classification: Uncertain significance for Intellectual developmental disorder, X-linked 93. Last evaluated: 2021-09-03. Review status: criteria provided, single submitter. Criteria: ICSLVariantClassificationCriteria RUGD 01 April 2020. Collection method: clinical testing. Allele origin: unknown.
Comment: The BRWD3 c.3730G>C (p.Asp1244His) variant is a missense variant. A literature search was performed for the gene, cDNA change, and amino acid change. No publications were found based on this search. This variant is not found in version 2.1.1 or version 3.1.1 of the Genome Aggregation Database despite its location in a region of good sequence coverage, which suggests the variant is rare. Based on the available evidence, the p.Asp1244His variant is classified as a variant of uncertain significance for BRWD3-related X-linked syndromic intellectual disability.

NM_153252.5(BRWD3):c.3730G>C (p.Asp1244His)

Gene: BRWD3 (bromodomain and WD repeat domain containing 3; minus strand). Cytogenetic location: Xq21.1.
Variant type: single nucleotide variant.
Coding change: c.3730G>C on transcript NM_153252.5 (MANE Select); coding-DNA position 3730, G replaced by C.
Protein change: p.Asp1244His; replaces aspartic acid 1244 with histidine.
Molecular consequence: missense variant.
Genome position (GRCh38, 1-based): chrX:80,689,845, C>G on the plus strand (G>C on the coding strand, the complement: BRWD3 is on the minus strand). VCF-style: chrX-80689845-C-G. GRCh37 (hg19) VCF-style: chrX-79945344-C-G.
Other names: short protein forms D1244H.
Identifiers: ClinVar variation 1328127 (VCV001328127.4), dbSNP rs2147690102, ClinGen allele CA413615707.